The following is an entry in ClinVar:

ClinVar aggregate classification (germline): Likely benign. Review status: criteria provided, multiple submitters, no conflicts (2 of 4 stars). 4 submissions from 4 submitters: Likely benign (3). 1 of the submissions does not count toward it. Last evaluated 2026-02-01.

Conditions:
ANO10-related disorder. Also called: ANO10-related condition.

Allele frequency attached by ClinVar (database versions not stated): ESP Exome Variant Server 0.00008; ExAC 0.00009; gnomAD exomes 0.00012 and 0.00018; gnomAD 0.00017 and 0.00018; 1000 Genomes Project 0.00020; TOPMed 0.00024; 1000 Genomes Project 30x 0.00031.
gnomAD v4.1: 209 of 1,614,138 alleles (0.013%); highest among the groups gnomAD compares: Admixed American, 0.072%; no homozygotes.

Submissions (4):

CeGaT Center for Human Genetics Tuebingen
Classification: Likely benign. Last evaluated: 2026-02-01. Review status: criteria provided, single submitter. Criteria: CeGaT Center For Human Genetics Tuebingen Variant Classification Criteria Version 2. Collection method: clinical testing. Allele origin: germline. Affected: yes. Observed: 2 variant alleles.
Comment: ANO10: BP4, BP7

Labcorp Genetics (formerly Invitae), Labcorp
Classification: Likely benign. Last evaluated: 2026-01-13. Review status: criteria provided, single submitter. Criteria: Invitae Variant Classification Sherloc (09022015). Collection method: clinical testing. Allele origin: germline.

Blueprint Genetics
Classification: Likely benign. Last evaluated: 2024-10-29. Review status: criteria provided, single submitter. Criteria: ACMG Guidelines, 2015. Collection method: clinical testing. Allele origin: germline.

PreventionGenetics, part of Exact Sciences
Classification: Likely benign for ANO10-related condition. Last evaluated: 2019-02-22. Review status: no assertion criteria provided. Collection method: clinical testing. Allele origin: germline. Not counted in ClinVar's aggregate classification.
Comment: This variant is classified as likely benign based on ACMG/AMP sequence variant interpretation guidelines (Richards et al. 2015 PMID: 25741868, with internal and published modifications).

NM_018075.5(ANO10):c.1011C>T (p.Phe337=)

Gene: ANO10 (anoctamin 10; minus strand). Cytogenetic location: 3p22.1.
Variant type: single nucleotide variant.
Coding change: c.1011C>T on transcript NM_018075.5 (MANE Select); coding-DNA position 1011, C replaced by T.
Protein change: p.Phe337=; no amino-acid change (phenylalanine 337 retained).
Molecular consequence: synonymous variant. On other transcripts: intron variant (1).
Genome position (GRCh38, 1-based): chr3:43,576,843, G>A on the plus strand (C>T on the coding strand, the complement: ANO10 is on the minus strand). VCF-style: chr3-43576843-G-A. GRCh37 (hg19) VCF-style: chr3-43618335-G-A.
Other names: c.1011C>T (NM_018075.4); c.1011C>T, p.Phe337= (NM_001204831.3, NM_001346463.2, NM_001346464.2 and 3 more transcripts); c.813C>T, p.Phe271= (NM_001204832.3, NM_001346466.2, NM_001346469.2); c.678C>T, p.Phe226= (NM_001204833.3); c.593-1979C>T (NM_001204834.3).
Identifiers: ClinVar variation 776348 (VCV000776348.32), dbSNP rs373827579, ClinGen allele CA2340902.